The following is an entry in ClinVar:

NM_007294.4(BRCA1):c.4185+11TG[7]

Gene: BRCA1 (BRCA1 DNA repair associated; minus strand). Cytogenetic location: 17q21.31.
Variant type: Microsatellite.
Coding change: c.4185+11TG[7] on transcript NM_007294.4 (MANE Select); seven copies in a row of the 2-base unit TG starting at c.4185+11; the reference has six copies in a row; one copy, 2 bases duplicated.
Molecular consequence: intron variant.
Genome position (GRCh38, 1-based): chr17:43,090,922-43,090,923, CA duplicated on the plus strand (TG on the coding strand, the reverse complement: BRCA1 is on the minus strand); duplicating any 2 consecutive bases within chr17:43,090,922-43,090,934 gives the same sequence; the position shown is the placement nearest the transcript's 3' end. VCF-style (leftmost placement, unchanged base first): chr17-43090921-G-GCA. GRCh37 (hg19) VCF-style: chr17-41242938-G-GCA.
Other names: IVS12+22insTG; c.4185+21_4185+22dupTG (NM_007294.3); c.870+11TG[7] (NM_001408406.1); c.4185+11TG[7] (NM_001407641.1, NM_001407624.1, NM_001407858.1 and 30 more transcripts); c.3681+11TG[7] (NM_001407965.1); c.3918+11TG[7] (NM_001407930.1, NM_001407931.1, NM_001407932.1 and 2 more transcripts); c.4041+11TG[7] (NM_001407843.1, NM_001407847.1, NM_001407740.1 and 20 more transcripts); c.735+11TG[7] (NM_001408456.1, NM_001408410.1, NM_001408458.1 and 11 more transcripts); and 44 more.
Identifiers: ClinVar variation 371824 (VCV000371824.9), dbSNP rs273900723, ClinGen allele CA002685.

ClinVar aggregate classification (germline): Likely benign. Review status: criteria provided, multiple submitters, no conflicts (2 of 4 stars). 5 submissions from 5 submitters: Likely benign (2). 3 of the submissions do not count toward it. Last evaluated 2025-06-09.

Conditions:
BRCA1-related disorder. Also called: BRCA1-related condition.
Breast-ovarian cancer, familial, susceptibility to, 1 (BROVCA1). Also called: BRCA1 Hereditary Breast and Ovarian Cancer; OVARIAN CANCER, SUSCEPTIBILITY TO. Identifiers: Orphanet 145, MedGen C2676676, MONDO:0011450, OMIM 604370. Disease mechanism: loss of function.
Hereditary cancer-predisposing syndrome. Also called: Neoplastic Syndromes, Hereditary; Hereditary neoplastic syndrome; Hereditary Cancer Syndrome; Tumor predisposition. Identifiers: Orphanet 140162, MedGen C0027672, MeSH D009386, MONDO:0015356.

Submissions (5):

PreventionGenetics, part of Exact Sciences
Classification: Likely benign for BRCA1-related condition. Last evaluated: 2025-06-09. Review status: criteria provided, single submitter. Criteria: ACMG Guidelines, 2015. Collection method: clinical testing. Allele origin: germline.
Comment: This variant is classified as likely benign based on ACMG/AMP sequence variant interpretation guidelines (Richards et al. 2015 PMID: 25741868, with internal and published modifications).

Color Diagnostics, LLC DBA Color Health
Classification: Likely benign for Hereditary cancer-predisposing syndrome. Last evaluated: 2022-10-13. Review status: criteria provided, single submitter. Criteria: ACMG Guidelines, 2015. Collection method: clinical testing. Allele origin: germline.

BRCAlab, Lund University
Classification: Likely benign for Breast-ovarian cancer, familial, susceptibility to, 1. Last evaluated: 2024-01-17. Review status: no assertion criteria provided. Collection method: clinical testing. Allele origin: germline. Affected: yes. Not counted in ClinVar's aggregate classification.

Counsyl
Classification: Uncertain significance for Breast-ovarian cancer, familial, susceptibility to, 1. Last evaluated: 2016-02-17. Review status: no assertion criteria provided. Collection method: clinical testing. Allele origin: unknown. Not counted in ClinVar's aggregate classification.

Breast Cancer Information Core (BIC) (BRCA1)
Classification: Uncertain significance for Breast-ovarian cancer, familial 1. Last evaluated: 2010-12-17. Review status: no assertion criteria provided. Collection method: clinical testing. Allele origin: germline. Affected: yes. Observed: 1 variant allele. Not counted in ClinVar's aggregate classification.

Literature cited by the submitters: PubMed 21120943 (cited by Counsyl).